The following is an entry in ClinVar:

ClinVar aggregate classification (germline): Uncertain significance (1 of 4 stars; one submission).

Submission:

Mayo Clinic Laboratories, Mayo Clinic
Classification: Uncertain significance. Last evaluated: 2022-08-11. Review status: criteria provided, single submitter. Criteria: ACMG Guidelines, 2015. Collection method: clinical testing. Allele origin: germline. Observed: 1 variant allele.
Comment: PM2

NM_032119.4(ADGRV1):c.9335T>C (p.Phe3112Ser)

Gene: ADGRV1 (adhesion G protein-coupled receptor V1; plus strand). Cytogenetic location: 5q14.3.
Variant type: single nucleotide variant.
Coding change: c.9335T>C on transcript NM_032119.4 (MANE Select); coding-DNA position 9335, T replaced by C.
Protein change: p.Phe3112Ser; replaces phenylalanine 3112 with serine.
Molecular consequence: missense variant. On other transcripts: non-coding transcript variant (1).
Genome position (GRCh38, 1-based): chr5:90,716,617, T>C. VCF-style: chr5-90716617-T-C. GRCh37 (hg19) VCF-style: chr5-90012434-T-C.
Other names: p.Phe3112Ser; short protein forms F3112S.
Identifiers: ClinVar variation 2682897 (VCV002682897.1), dbSNP rs2531211818, ClinGen allele CA360397433.